The following is an entry in ClinVar:

NM_013336.4(SEC61A1):c.313A>T (p.Thr105Ser)

Gene: SEC61A1 (SEC61 translocon subunit alpha 1; plus strand). Cytogenetic location: 3q21.3.
Variant type: single nucleotide variant.
Coding change: c.313A>T on transcript NM_013336.4 (MANE Select); coding-DNA position 313, A replaced by T.
Protein change: p.Thr105Ser; replaces threonine 105 with serine.
Molecular consequence: missense variant.
Genome position (GRCh38, 1-based): chr3:128,056,801, A>T. VCF-style: chr3-128056801-A-T. GRCh37 (hg19) VCF-style: chr3-127775644-A-T.
Other names: c.331A>T, p.Thr111Ser (NM_001400328.1); c.154A>T, p.Thr52Ser (NM_001400329.1); short protein forms T111S, T52S, T105S.
Identifiers: ClinVar variation 2200852 (VCV002200852.4), dbSNP rs775562862, ClinGen allele CA2598363.

ClinVar aggregate classification (germline): Uncertain significance (1 of 4 stars; one submission).

Allele frequency attached by ClinVar (database versions not stated): ExAC 0.00002.
gnomAD v4.1: 9 of 1,609,800 alleles (0.00056%); highest among the groups gnomAD compares: East Asian, 0.016%; no homozygotes.

Submission:

Labcorp Genetics (formerly Invitae), Labcorp
Classification: Uncertain significance. Last evaluated: 2025-09-20. Review status: criteria provided, single submitter. Criteria: Invitae Variant Classification Sherloc (09022015). Collection method: clinical testing. Allele origin: germline.
Comment: This sequence change replaces threonine, which is neutral and polar, with serine, which is neutral and polar, at codon 105 of the SEC61A1 protein (p.Thr105Ser). This variant is present in population databases (rs775562862, gnomAD 0.05%). This variant has not been reported in the literature in individuals affected with SEC61A1-related conditions. ClinVar contains an entry for this variant (Variation ID: 2200852). Invitae Evidence Modeling of protein sequence and biophysical properties (such as structural, functional, and spatial information, amino acid conservation, physicochemical variation, residue mobility, and thermodynamic stability) indicates that this missense variant is not expected to disrupt SEC61A1 protein function with a negative predictive value of 80%. In summary, the available evidence is currently insufficient to determine the role of this variant in disease. Therefore, it has been classified as a Variant of Uncertain Significance.